The following is an entry in ClinVar:

NM_198578.4(LRRK2):c.857T>C (p.Leu286Pro)

Gene: LRRK2 (leucine rich repeat kinase 2; plus strand). Cytogenetic location: 12q12.
Variant type: single nucleotide variant.
Coding change: c.857T>C on transcript NM_198578.4 (MANE Select); coding-DNA position 857, T replaced by C.
Protein change: p.Leu286Pro; replaces leucine 286 with proline.
Molecular consequence: missense variant.
Genome position (GRCh38, 1-based): chr12:40,249,844, T>C. VCF-style: chr12-40249844-T-C. GRCh37 (hg19) VCF-style: chr12-40643646-T-C.
Other names: short protein forms L286P.
Identifiers: ClinVar variation 3540619 (VCV003540619.1).

ClinVar aggregate classification (germline): Uncertain significance (1 of 4 stars; one submission).

Conditions:
Inborn genetic diseases. Identifiers: MedGen C0950123, MeSH D030342.

Submission:

Ambry Genetics
Classification: Uncertain significance for Inborn genetic diseases. Last evaluated: 2024-08-12. Review status: criteria provided, single submitter. Criteria: Ambry Variant Classification Scheme 2023. Collection method: clinical testing. Allele origin: germline.
Comment: The p.L286P variant (also known as c.857T>C), located in coding exon 8 of the LRRK2 gene, results from a T to C substitution at nucleotide position 857. The leucine at codon 286 is replaced by proline, an amino acid with similar properties. This amino acid position is conserved. In addition, this alteration is predicted to be deleterious by in silico analysis. Based on the available evidence, the clinical significance of this variant remains unclear.